The following is an entry in ClinVar:

NM_006218.4(PIK3CA):c.1455G>C (p.Lys485Asn)

Gene: PIK3CA (phosphatidylinositol-4,5-bisphosphate 3-kinase catalytic subunit alpha; plus strand). Cytogenetic location: 3q26.32.
Variant type: single nucleotide variant.
Coding change: c.1455G>C on transcript NM_006218.4 (MANE Select); coding-DNA position 1455, G replaced by C.
Protein change: p.Lys485Asn; replaces lysine 485 with asparagine.
Molecular consequence: missense variant.
Genome position (GRCh38, 1-based): chr3:179,210,481, G>C. VCF-style: chr3-179210481-G-C. GRCh37 (hg19) VCF-style: chr3-178928269-G-C.
Other names: short protein forms K485N.
Identifiers: ClinVar variation 5026684 (VCV005026684.1).

ClinVar aggregate classification (germline): Uncertain significance (1 of 4 stars; one submission).

Conditions:
Inborn genetic diseases. Identifiers: MedGen C0950123, MeSH D030342.

Submission:

Ambry Genetics
Classification: Uncertain significance for Inborn genetic diseases. Last evaluated: 2026-07-01. Review status: criteria provided, single submitter. Criteria: Ambry Variant Classification Scheme 2023. Collection method: clinical testing. Allele origin: germline.
Comment: The p.K485N variant (also known as c.1455G>C), located in coding exon 8 of the PIK3CA gene, results from a G to C substitution at nucleotide position 1455. The lysine at codon 485 is replaced by asparagine, an amino acid with similar properties. This amino acid position is conserved. In addition, this alteration is predicted to be tolerated by in silico analysis. Based on the available evidence, the clinical significance of this variant remains unclear.